The following is an entry in ClinVar:

ClinVar aggregate classification (germline): Uncertain significance (1 of 4 stars; one submission).

Conditions:
Vici syndrome (VICIS). Identifiers: Orphanet 1493, MedGen C1855772, MONDO:0009452, OMIM 242840.

Submission:

Labcorp Genetics (formerly Invitae), Labcorp
Classification: Uncertain significance for Vici syndrome. Last evaluated: 2022-05-13. Review status: criteria provided, single submitter. Criteria: Invitae Variant Classification Sherloc (09022015). Collection method: clinical testing. Allele origin: germline.
Comment: In summary, the available evidence is currently insufficient to determine the role of this variant in disease. Therefore, it has been classified as a Variant of Uncertain Significance. Algorithms developed to predict the effect of missense changes on protein structure and function (SIFT, PolyPhen-2, Align-GVGD) all suggest that this variant is likely to be tolerated. ClinVar contains an entry for this variant (Variation ID: 856434). This variant has not been reported in the literature in individuals affected with EPG5-related conditions. This variant is not present in population databases (gnomAD no frequency). This sequence change replaces histidine, which is basic and polar, with glutamine, which is neutral and polar, at codon 1090 of the EPG5 protein (p.His1090Gln).

NM_020964.3(EPG5):c.3270C>A (p.His1090Gln)

Gene: EPG5 (ectopic P-granules 5 autophagy tethering factor; minus strand). Cytogenetic location: 18q21.1.
Variant type: single nucleotide variant.
Coding change: c.3270C>A on transcript NM_020964.3 (MANE Select); coding-DNA position 3270, C replaced by A.
Protein change: p.His1090Gln; replaces histidine 1090 with glutamine.
Molecular consequence: missense variant.
Genome position (GRCh38, 1-based): chr18:45,916,552, G>T on the plus strand (C>A on the coding strand, the complement: EPG5 is on the minus strand). VCF-style: chr18-45916552-G-T. GRCh37 (hg19) VCF-style: chr18-43496517-G-T.
Other names: short protein forms H1090Q.
Identifiers: ClinVar variation 856434 (VCV000856434.10), dbSNP rs2050038241, ClinGen allele CA402343245.